The following is an entry in ClinVar:

ClinVar aggregate classification (germline): Uncertain significance (1 of 4 stars; one submission).

Allele frequency attached by ClinVar (database versions not stated): gnomAD exomes below 0.00001; gnomAD 0.00003; TOPMed 0.00003.
gnomAD v4.1: 9 of 1,613,816 alleles (0.00056%); highest among the groups gnomAD compares: African/African-American, 0.008%; no homozygotes.

Submission:

Labcorp Genetics (formerly Invitae), Labcorp
Classification: Uncertain significance. Last evaluated: 2022-03-03. Review status: criteria provided, single submitter. Criteria: Invitae Variant Classification Sherloc (09022015). Collection method: clinical testing. Allele origin: germline.
Comment: This variant is present in population databases (rs757314703, gnomAD 0.02%). This sequence change replaces alanine, which is neutral and non-polar, with valine, which is neutral and non-polar, at codon 141 of the RIMS1 protein (p.Ala141Val). This variant has not been reported in the literature in individuals affected with RIMS1-related conditions. In summary, the available evidence is currently insufficient to determine the role of this variant in disease. Therefore, it has been classified as a Variant of Uncertain Significance. Algorithms developed to predict the effect of missense changes on protein structure and function are either unavailable or do not agree on the potential impact of this missense change (SIFT: "Deleterious"; PolyPhen-2: "Probably Damaging"; Align-GVGD: "Class C0"). ClinVar contains an entry for this variant (Variation ID: 1022382).

NM_014989.7(RIMS1):c.422C>T (p.Ala141Val)

Gene: RIMS1 (regulating synaptic membrane exocytosis 1; plus strand). Cytogenetic location: 6q13.
Variant type: single nucleotide variant.
Coding change: c.422C>T on transcript NM_014989.7 (MANE Select); coding-DNA position 422, C replaced by T.
Protein change: p.Ala141Val; replaces alanine 141 with valine.
Molecular consequence: missense variant.
Genome position (GRCh38, 1-based): chr6:72,097,125, C>T. VCF-style: chr6-72097125-C-T. GRCh37 (hg19) VCF-style: chr6-72806828-C-T.
Other names: c.419C>T, p.Ala140Val (NM_001350411.1); c.341C>T, p.Ala114Val (NM_001350412.1); c.422C>T, p.Ala141Val (NM_001350413.1); short protein forms A114V, A140V, A141V.
Identifiers: ClinVar variation 1022382 (VCV001022382.8), dbSNP rs757314703, ClinGen allele CA3885476.